The following is an entry in ClinVar:

NM_000540.3(RYR1):c.12917G>A (p.Arg4306Gln)

Gene: RYR1 (ryanodine receptor 1; plus strand). Cytogenetic location: 19q13.2.
Variant type: single nucleotide variant.
Coding change: c.12917G>A on transcript NM_000540.3 (MANE Select); coding-DNA position 12917, G replaced by A.
Protein change: p.Arg4306Gln; replaces arginine 4306 with glutamine.
Molecular consequence: missense variant.
Genome position (GRCh38, 1-based): chr19:38,565,251, G>A. VCF-style: chr19-38565251-G-A. GRCh37 (hg19) VCF-style: chr19-39055891-G-A.
Other names: c.12902G>A, p.Arg4301Gln (NM_001042723.2); short protein forms R4301Q, R4306Q.
Identifiers: ClinVar variation 1522423 (VCV001522423.6), dbSNP rs2145844700, ClinGen allele CA405672567.
Genomic context (GRCh38, chr19:38,565,251, plus strand): 5'-CGGCCACGGCGGCGGCGGGGGCGACGGCGCGGGTTGTGGCGGCCGCAGGCCGGGCCCTGC[G>A]AGGCCTCAGCTACCGCAGCCTGCGGCGGCGCGTGCGGCGGCTGCGGCGGCTTACGGCCCG-3'
Protein context (NP_000531.2, residues 4296-4316): RVVAAAGRAL[Arg4306Gln]GLSYRSLRRR

ClinVar aggregate classification (germline): Uncertain significance (1 of 4 stars; one submission).

Conditions:
RYR1-related disorder. Also called: RYR1-related condition; RYR1-related disorders. Identifiers: MedGen CN239331.

Allele frequency attached by ClinVar (database versions not stated): gnomAD exomes 0.00001.
gnomAD v4.1: 8 of 991,050 alleles (0.00081%); highest among the groups gnomAD compares: Non-Finnish European, 0.00096%; no homozygotes.

Submission:

Labcorp Genetics (formerly Invitae), Labcorp
Classification: Uncertain significance for RYR1-related disorder. Last evaluated: 2024-01-06. Review status: criteria provided, single submitter. Criteria: Invitae Variant Classification Sherloc (09022015). Collection method: clinical testing. Allele origin: germline.
Comment: This sequence change replaces arginine, which is basic and polar, with glutamine, which is neutral and polar, at codon 4306 of the RYR1 protein (p.Arg4306Gln). The frequency data for this variant in the population databases is considered unreliable, as metrics indicate insufficient coverage at this position in the gnomAD database. This variant has not been reported in the literature in individuals affected with RYR1-related conditions. ClinVar contains an entry for this variant (Variation ID: 1522423). Advanced modeling of protein sequence and biophysical properties (such as structural, functional, and spatial information, amino acid conservation, physicochemical variation, residue mobility, and thermodynamic stability) performed at Invitae indicates that this missense variant is not expected to disrupt RYR1 protein function with a negative predictive value of 95%. In summary, the available evidence is currently insufficient to determine the role of this variant in disease. Therefore, it has been classified as a Variant of Uncertain Significance.